The following is an entry in ClinVar:

ClinVar aggregate classification (germline): Conflicting classifications of pathogenicity. Review status: criteria provided, conflicting classifications (1 of 4 stars). 10 submissions from 10 submitters: Uncertain significance (1); Benign (1); Likely benign (6). 2 of the submissions do not count toward it. Last evaluated 2026-07-31.

Conditions:
Inherited breast cancer and ovarian cancer.
Hereditary cancer-predisposing syndrome. Also called: Neoplastic Syndromes, Hereditary; Tumor predisposition; Hereditary Cancer Syndrome; Hereditary neoplastic syndrome. Identifiers: Orphanet 140162, MedGen C0027672, MeSH D009386, MONDO:0015356.
Hereditary breast ovarian cancer syndrome. Also called: Hereditary breast and/or ovarian cancer syndrome; Hereditary breast and ovarian cancer syndrome; Hereditary breast and ovarian cancer; Hereditary breast and ovarian cancer syndrome (HBOC); Breast and ovarian cancer; BRCA1- and BRCA2-Associated Hereditary Breast and Ovarian Cancer. Identifiers: Orphanet 145, MedGen C0677776, MeSH D061325, MONDO:0003582. Disease mechanism: loss of function.
Breast-ovarian cancer, familial, susceptibility to, 2 (BROVCA2). Also called: BRCA2 Hereditary Breast and Ovarian Cancer. Identifiers: Orphanet 145, MedGen C2675520, MONDO:0012933, OMIM 612555. Disease mechanism: loss of function.

Allele frequency attached by ClinVar (database versions not stated): gnomAD exomes 0.00001 and below 0.00001; ESP Exome Variant Server 0.00008; TOPMed below 0.00001.
gnomAD v4.1: 8 of 1,614,160 alleles (0.0005%); highest among the groups gnomAD compares: Non-Finnish European, 0.00068%; no homozygotes.

Submissions (10):

Genomics and Molecular Medicine Service, East Genomic Laboratory Hub, NHS Genomic Medicine Service
Classification: Benign for Inherited breast cancer and ovarian cancer. Last evaluated: 2026-07-31. Review status: criteria provided, single submitter. Criteria: ACGS Best Practice Guidelines for Variant Classification in Rare Disease 2020. Collection method: clinical testing. Allele origin: germline. Affected: yes.
Comment: PM1_Supporting,PM2_Supporting,BS3_Strong,BP5_Very Strong

CeGaT Center for Human Genetics Tuebingen
Classification: Likely benign. Last evaluated: 2026-07-01. Review status: criteria provided, single submitter. Criteria: CeGaT Center For Human Genetics Tuebingen Variant Classification Criteria Version 2. Collection method: clinical testing. Allele origin: germline. Affected: yes. Observed: 2 variant alleles.
Comment: BRCA2: PM2, BP4, BS3:Moderate

Labcorp Genetics (formerly Invitae), Labcorp
Classification: Uncertain significance for Hereditary breast ovarian cancer syndrome. Last evaluated: 2025-10-01. Review status: criteria provided, single submitter. Criteria: Invitae Variant Classification Sherloc (09022015). Collection method: clinical testing. Allele origin: germline.
Comment: This sequence change replaces serine, which is neutral and polar, with leucine, which is neutral and non-polar, at codon 2695 of the BRCA2 protein (p.Ser2695Leu). This variant is present in population databases (rs80359048, gnomAD 0.0009%). This variant has not been reported in the literature in individuals affected with BRCA2-related conditions. ClinVar contains an entry for this variant (Variation ID: 52500). Invitae Evidence Modeling incorporating data from in vitro experimental studies (PMID: 33609447) indicates that this missense variant is not expected to disrupt BRCA2 function with a negative predictive value of 95%. Experimental studies have shown that this missense change does not substantially affect BRCA2 function (PMID: 22678057, 24323938). In summary, the available evidence is currently insufficient to determine the role of this variant in disease. Therefore, it has been classified as a Variant of Uncertain Significance.

Center for Genomic Medicine, Rigshospitalet, Copenhagen University Hospital
Classification: Likely benign. Last evaluated: 2025-03-04. Review status: criteria provided, single submitter. Criteria: ACMG Guidelines, 2015. Collection method: clinical testing. Allele origin: germline.

Color Diagnostics, LLC DBA Color Health
Classification: Likely benign for Hereditary cancer-predisposing syndrome. Last evaluated: 2022-11-23. Review status: criteria provided, single submitter. Criteria: ACMG Guidelines, 2015. Collection method: clinical testing. Allele origin: germline.

Women's Health and Genetics/Laboratory Corporation of America, LabCorp
Classification: Likely benign. Last evaluated: 2022-10-21. Review status: criteria provided, single submitter. Criteria: LabCorp Variant Classification Summary - May 2015. Collection method: clinical testing. Allele origin: germline.
Comment: Variant summary: BRCA2 c.8084C>T (p.Ser2695Leu) results in a non-conservative amino acid change located in the BRCA2, OB1 domain (IPR015187) of the encoded protein sequence. Four of five in-silico tools predict a damaging effect of the variant on protein function. The variant allele was found at a frequency of 4e-06 in 251296 control chromosomes (gnomAD). The available data on variant occurrences in the general population are insufficient to allow any conclusion about variant significance. c.8084C>T has been reported in the literature in individuals affected with Breast Cancer (e.g. Biswas_2012, Caputo_2021, Dorling_2021), but the variant was found to poorly segregate with disease within families (Biswas_2012), giving a likelihood ratio that suggested neutrality and an IARC score of 1-benign (Caputo_2021). Co-occurrences with pathogenic variants have been reported (e.g. BRCA1 c.140G>A [p.Cys47Tyr]; BRCA2 c.9294C>A [p.Tyr3098Ter]; UMD database), providing supporting evidence for a benign role. Several publications have provided experimental evidence evaluating the impact of the variant on protein function and demonstrated there was no damaging effect: the variant was capable of complementing Brca2 knockout ES cells (Biswas_2012), was insensitive to DNA damaging agents (Biswas_2012), and had functional HDR activity (Biswas_2012, Richardson_2021). Four ClinVar submitters have assessed the variant since 2014: two classified the variant as uncertain significance and two as likely benign. Based on the evidence outlined above, the variant was classified as likely benign.

Ambry Genetics
Classification: Likely benign for Hereditary cancer-predisposing syndrome. Last evaluated: 2020-02-25. Review status: criteria provided, single submitter. Criteria: Ambry Variant Classification Scheme 2023. Collection method: clinical testing. Allele origin: germline.

GeneDx
Classification: Likely benign. Last evaluated: 2019-03-19. Review status: criteria provided, single submitter. Criteria: GeneDx Variant Classification Process June 2021. Collection method: clinical testing. Allele origin: germline. Affected: yes.
Comment: This variant is associated with the following publications: (PMID: 29387975, 24323938, 19043619, 22678057)

Breast Cancer Information Core (BIC) (BRCA2)
Classification: Uncertain significance for Breast-ovarian cancer, familial 2. Last evaluated: 2002-06-20. Review status: no assertion criteria provided. Collection method: clinical testing. Allele origin: germline. Affected: yes. Observed: 2 variant alleles. Not counted in ClinVar's aggregate classification.

Foulkes Cancer Genetics LDI, Lady Davis Institute for Medical Research
Classification: Likely benign for Breast-ovarian cancer, familial, susceptibility to, 2. Review status: no assertion criteria provided. Collection method: clinical testing. Allele origin: unknown. Affected: yes. Study: The Canadian Open Genetics Repository (COGR). Not counted in ClinVar's aggregate classification.

Literature cited by the submitters: PubMed 33609447 (cited by Labcorp Genetics (formerly Invitae), Labcorp and Women's Health and Genetics/Laboratory Corporation of America, LabCorp); PubMed 22678057 (cited by 3 submitters); PubMed 24323938 (cited by Labcorp Genetics (formerly Invitae), Labcorp and Ambry Genetics); PubMed 33471991 (cited by Women's Health and Genetics/Laboratory Corporation of America, LabCorp); PubMed 34597585 (cited by Women's Health and Genetics/Laboratory Corporation of America, LabCorp); PubMed 19043619 (cited by Ambry Genetics).

NM_000059.4(BRCA2):c.8084C>T (p.Ser2695Leu)

Gene: BRCA2 (BRCA2 DNA repair associated; plus strand). Cytogenetic location: 13q13.1.
Variant type: single nucleotide variant.
Coding change: c.8084C>T on transcript NM_000059.4 (MANE Select); coding-DNA position 8084, C replaced by T.
Protein change: p.Ser2695Leu; replaces serine 2695 with leucine.
Molecular consequence: missense variant.
Genome position (GRCh38, 1-based): chr13:32,363,286, C>T. VCF-style: chr13-32363286-C-T. GRCh37 (hg19) VCF-style: chr13-32937423-C-T.
Other names: short protein forms S2695L.
Identifiers: ClinVar variation 52500 (VCV000052500.52), dbSNP rs80359048, ClinGen allele CA025444.
Genomic context (GRCh38, chr13:32,363,286, plus strand): 5'-TAATGGAAAGGGATGACACAGCTGCAAAAACACTTGTTCTCTGTGTTTCTGACATAATTT[C>T]ATTGAGCGCAAATATATCTGAAACTTCTAGCAATAAAACTAGTAGTGCAGATACCCAAAA-3'
Protein context (NP_000050.3, residues 2685-2705): TLVLCVSDII[Ser2695Leu]LSANISETSS